The following is an entry in ClinVar:

ClinVar aggregate classification (germline): Likely benign (1 of 4 stars; one submission).

Allele frequency attached by ClinVar (database versions not stated): ESP Exome Variant Server 0.00031; TOPMed 0.00082; gnomAD 0.00102; gnomAD exomes 0.00105; 1000 Genomes Project 30x 0.00156; 1000 Genomes Project 0.00180; ExAC 0.00239.
gnomAD v4.1: 1,626 of 1,537,260 alleles (0.11%); highest among the groups gnomAD compares: South Asian, 0.38%; 6 homozygotes.

Submission:

CeGaT Center for Human Genetics Tuebingen
Classification: Likely benign. Last evaluated: 2022-09-01. Review status: criteria provided, single submitter. Criteria: CeGaT Center For Human Genetics Tuebingen Variant Classification Criteria Version 2. Collection method: clinical testing. Allele origin: germline. Affected: yes. Observed: 1 variant allele.
Comment: SH3RF3: BP4, BP7

NM_001099289.3(SH3RF3):c.174C>T (p.Ser58=)

Genes: RANBP2 (RAN binding protein 2; plus strand), SH3RF3 (SH3 domain containing ring finger 3; plus strand), SH3RF3-AS1 (SH3RF3 antisense RNA 1; minus strand). Cytogenetic location: 2q13.
Variant type: single nucleotide variant.
Coding change: c.174C>T on transcript NM_001099289.3 (MANE Select); coding-DNA position 174, C replaced by T.
Protein change: p.Ser58=; no amino-acid change (serine 58 retained).
Molecular consequence: synonymous variant. On other transcripts: non-coding transcript variant (1).
Genome position (GRCh38, 1-based): chr2:109,129,714, C>T. VCF-style: chr2-109129714-C-T. GRCh37 (hg19) VCF-style: chr2-109746170-C-T.
Identifiers: ClinVar variation 2651260 (VCV002651260.24), dbSNP rs148709667, ClinGen allele CA1825330.